The following is an entry in ClinVar:

NM_001038.6(SCNN1A):c.997C>T (p.Arg333Cys)

Gene: SCNN1A (sodium channel epithelial 1 subunit alpha; minus strand). Cytogenetic location: 12p13.31.
Variant type: single nucleotide variant.
Coding change: c.997C>T on transcript NM_001038.6 (MANE Select); coding-DNA position 997, C replaced by T.
Protein change: p.Arg333Cys; replaces arginine 333 with cysteine.
Molecular consequence: missense variant.
Genome position (GRCh38, 1-based): chr12:6,355,418, G>A on the plus strand (C>T on the coding strand, the complement: SCNN1A is on the minus strand). VCF-style: chr12-6355418-G-A. GRCh37 (hg19) VCF-style: chr12-6464584-G-A.
Other names: c.1066C>T, p.Arg356Cys (NM_001159575.2); c.1174C>T, p.Arg392Cys (NM_001159576.2); short protein forms R333C, R392C, R356C.
Identifiers: ClinVar variation 229237 (VCV000229237.8), dbSNP rs146177203, ClinGen allele CA6406022.

ClinVar aggregate classification (germline): Conflicting classifications of pathogenicity. Review status: criteria provided, conflicting classifications (1 of 4 stars). 3 submissions from 3 submitters: Uncertain significance (2); Benign (1). Last evaluated 2024-04-15.

Conditions:
Pseudohypoaldosteronism, type IB1, autosomal recessive. Also called: Pseudohypoaldosteronism, Type I, Autosomal Recessive; PHA I, AUTOSOMAL RECESSIVE; Pseudohypoaldosteronism, Type I, Recessive; Autosomal recessive pseudohypoaldosteronism type 1. Identifiers: Orphanet 171876, Orphanet 756, MedGen C5774176, MONDO:0009917, OMIM 264350.
Liddle syndrome 3. Identifiers: MedGen C4748292, MONDO:0029132, OMIM 618126.
Bronchiectasis with or without elevated sweat chloride 2 (BESC2). Identifiers: Orphanet 60033, MedGen C2751666, MONDO:0013087, OMIM 613021.

Allele frequency attached by ClinVar (database versions not stated): TOPMed 0.00006; ESP Exome Variant Server 0.00008; gnomAD exomes 0.00009 and 0.00016; gnomAD 0.00010 and 0.00013; ExAC 0.00020; 1000 Genomes Project 30x 0.00062; 1000 Genomes Project 0.00080.
gnomAD v4.1: 162 of 1,613,924 alleles (0.01%); highest among the groups gnomAD compares: South Asian, 0.062%; 3 homozygotes.

Submissions (3):

Labcorp Genetics (formerly Invitae), Labcorp
Classification: Benign. Last evaluated: 2024-04-15. Review status: criteria provided, single submitter. Criteria: Invitae Variant Classification Sherloc (09022015). Collection method: clinical testing. Allele origin: germline.

Fulgent Genetics
Classification: Uncertain significance for Pseudohypoaldosteronism, type IB1, autosomal recessive; Bronchiectasis with or without elevated sweat chloride 2; Liddle syndrome 3. Last evaluated: 2021-11-03. Review status: criteria provided, single submitter. Criteria: ACMG Guidelines, 2015. Collection method: clinical testing. Allele origin: unknown.

Laboratory for Molecular Medicine, Mass General Brigham Personalized Medicine
Classification: Uncertain significance. Last evaluated: 2018-02-07. Review status: criteria provided, single submitter. Criteria: LMM Criteria. Collection method: clinical testing. Allele origin: germline. Observed: 1 variant allele.
Comment: proposed classification - variant undergoing re-assessment, contact laboratory